The following is an entry in ClinVar:

NM_005687.5(FARSB):c.1169A>G (p.Gln390Arg)

Gene: FARSB (phenylalanyl-tRNA synthetase subunit beta; minus strand). Cytogenetic location: 2q36.1.
Variant type: single nucleotide variant.
Coding change: c.1169A>G on transcript NM_005687.5 (MANE Select); coding-DNA position 1169, A replaced by G.
Protein change: p.Gln390Arg; replaces glutamine 390 with arginine.
Molecular consequence: missense variant. On other transcripts: non-coding transcript variant (1).
Genome position (GRCh38, 1-based): chr2:222,624,273, T>C on the plus strand (A>G on the coding strand, the complement: FARSB is on the minus strand). VCF-style: chr2-222624273-T-C. GRCh37 (hg19) VCF-style: chr2-223488992-T-C.
Other names: short protein forms Q390R.
Identifiers: ClinVar variation 3731233 (VCV003731233.1).

ClinVar aggregate classification (germline): Uncertain significance (1 of 4 stars; one submission).

gnomAD v4.1: 1 of 1,587,144 alleles (0.000063%); highest among the groups gnomAD compares: Non-Finnish European, 0.000086%; no homozygotes.

Submission:

GeneDx
Classification: Uncertain significance. Last evaluated: 2024-08-14. Review status: criteria provided, single submitter. Criteria: GeneDx Variant Classification Process June 2021. Collection method: clinical testing. Allele origin: germline. Affected: yes.
Comment: Not observed at significant frequency in large population cohorts (gnomAD); In silico analysis supports that this missense variant has a deleterious effect on protein structure/function; Has not been previously published as pathogenic or benign to our knowledge